The following is an entry in ClinVar:

NM_001127453.2(GSDME):c.478C>T (p.Gln160Ter)

Gene: GSDME (gasdermin E; minus strand). Cytogenetic location: 7p15.3.
Variant type: single nucleotide variant.
Coding change: c.478C>T on transcript NM_001127453.2 (MANE Select); coding-DNA position 478, C replaced by T.
Protein change: p.Gln160Ter; replaces glutamine 160 with a stop codon.
Molecular consequence: nonsense. On other transcripts: 5 prime UTR variant (2).
Genome position (GRCh38, 1-based): chr7:24,719,145, G>A on the plus strand (C>T on the coding strand, the complement: GSDME is on the minus strand). VCF-style: chr7-24719145-G-A. GRCh37 (hg19) VCF-style: chr7-24758764-G-A.
Other names: c.-15C>T (NM_001127454.2, NM_001438059.1); c.478C>T, p.Gln160Ter (NM_004403.3); short protein forms Q160*.
Identifiers: ClinVar variation 5017771 (VCV005017771.1).
Genomic context (GRCh38, chr7:24,719,145, plus strand): 5'-ACTTCTCCTCGACCTGCATGTGCTCAGAGATCACACACTTCTGCATCGTCGTGATCTTCT[G>A]TGTCAAAACGCACAGGACCTCATTCCTTCCTTCCAGCACCTGCTGGAGCACAGGGTTTCT-3'

ClinVar aggregate classification (germline): Uncertain significance (1 of 4 stars; one submission).

Submission:

GeneDx
Classification: Uncertain significance. Last evaluated: 2026-03-27. Review status: criteria provided, single submitter. Criteria: GeneDx Variant Classification Process June 2021. Collection method: clinical testing. Allele origin: germline.
Comment: Not observed at significant frequency in large population cohorts (gnomAD); Nonsense variant predicted to result in protein truncation or nonsense mediated decay in a gene or region of a gene for which loss of function is not a well-established mechanism of disease; Has not been previously published as pathogenic or benign to our knowledge